The following is an entry in ClinVar:

ClinVar aggregate classification (germline): Likely benign. Review status: criteria provided, multiple submitters, no conflicts (2 of 4 stars). 2 submissions from 2 submitters: Likely benign (2). Last evaluated 2026-08-01.

Conditions:
Inborn genetic diseases. Identifiers: MedGen C0950123, MeSH D030342.

gnomAD v4.1: 1,156 of 1,612,056 alleles (0.072%); highest among the groups gnomAD compares: East Asian, 0.84%; 2 homozygotes.

Submissions (2):

CeGaT Center for Human Genetics Tuebingen
Classification: Likely benign. Last evaluated: 2026-08-01. Review status: criteria provided, single submitter. Criteria: CeGaT Center For Human Genetics Tuebingen Variant Classification Criteria Version 2. Collection method: clinical testing. Allele origin: germline. Affected: yes. Observed: 1 variant allele.
Comment: ATAD3A: BS2

Ambry Genetics
Classification: Likely benign for Inborn genetic diseases. Last evaluated: 2026-01-22. Review status: criteria provided, single submitter. Criteria: Ambry Variant Classification Scheme 2023. Collection method: clinical testing. Allele origin: germline.

NM_001170535.3(ATAD3A):c.580C>T (p.Arg194Trp)

Gene: ATAD3A (ATPase family AAA domain containing 3A; plus strand). Cytogenetic location: 1p36.33.
Variant type: single nucleotide variant.
Coding change: c.580C>T on transcript NM_001170535.3 (MANE Select); coding-DNA position 580, C replaced by T.
Protein change: p.Arg194Trp; replaces arginine 194 with tryptophan.
Molecular consequence: missense variant.
Genome position (GRCh38, 1-based): chr1:1,520,206, C>T. VCF-style: chr1-1520206-C-T. GRCh37 (hg19) VCF-style: chr1-1455586-C-T.
Other names: c.343C>T, p.Arg115Trp (NM_001170536.3); c.724C>T, p.Arg242Trp (NM_018188.5); short protein forms R115W, R194W, R242W.
Identifiers: ClinVar variation 4827947 (VCV004827947.2).
Genomic context (GRCh38, chr1:1,520,206, plus strand): 5'-GTGGAGCGGGAGATGGAGCTGCGGCACAAGAATGAGATGCTGCGAGTGGAGGCCGAGGCC[C>T]GGGCGCGCGCCAAGGCCGAGCGGGAGAATGCAGACATCATCCGCGAGCAGATCCGCCTGA-3'
Protein context (NP_001164006.1, residues 184-204): NEMLRVEAEA[Arg194Trp]ARAKAERENA